The following is an entry in ClinVar:

NM_020066.5(FMN2):c.3516C>A (p.Gly1172=)

Gene: FMN2 (formin 2; plus strand). Cytogenetic location: 1q43.
Variant type: single nucleotide variant.
Coding change: c.3516C>A on transcript NM_020066.5 (MANE Select); coding-DNA position 3516, C replaced by A.
Protein change: p.Gly1172=; no amino-acid change (glycine 1172 retained).
Molecular consequence: synonymous variant. On other transcripts: intron variant (1).
Genome position (GRCh38, 1-based): chr1:240,208,328, C>A. VCF-style: chr1-240208328-C-A. GRCh37 (hg19) VCF-style: chr1-240371628-C-A.
Other names: c.3528C>A, p.Gly1176= (NM_001305424.2); c.1986+20066C>A (NM_001348094.2).
Identifiers: ClinVar variation 2640201 (VCV002640201.24), dbSNP rs760358137, ClinGen allele CA1477222.

ClinVar aggregate classification (germline): Likely benign (1 of 4 stars; one submission).

Allele frequency attached by ClinVar (database versions not stated): ExAC 0.00005.

Submission:

CeGaT Center for Human Genetics Tuebingen
Classification: Likely benign. Last evaluated: 2026-09-01. Review status: criteria provided, single submitter. Criteria: CeGaT Center For Human Genetics Tuebingen Variant Classification Criteria Version 2. Collection method: clinical testing. Allele origin: germline. Affected: yes. Observed: 6 variant alleles.
Comment: FMN2: BP4, BP7